The following is an entry in ClinVar:

NM_022114.4(PRDM16):c.1880G>A (p.Ser627Asn)

Gene: PRDM16 (PR/SET domain 16; plus strand). Cytogenetic location: 1p36.32.
Variant type: single nucleotide variant.
Coding change: c.1880G>A on transcript NM_022114.4 (MANE Select); coding-DNA position 1880, G replaced by A.
Protein change: p.Ser627Asn; replaces serine 627 with asparagine.
Molecular consequence: missense variant.
Genome position (GRCh38, 1-based): chr1:3,412,077, G>A. VCF-style: chr1-3412077-G-A. GRCh37 (hg19) VCF-style: chr1-3328641-G-A.
Other names: c.1880G>A, p.Ser627Asn (NM_199454.3); short protein forms S627N.
Identifiers: ClinVar variation 1695888 (VCV001695888.2), dbSNP rs2100663504, ClinGen allele CA337999216.

ClinVar aggregate classification (germline): Uncertain significance (1 of 4 stars; one submission).

Submission:

GeneDx
Classification: Uncertain significance. Last evaluated: 2022-01-10. Review status: criteria provided, single submitter. Criteria: GeneDx Variant Classification Process June 2021. Collection method: clinical testing. Allele origin: germline. Affected: yes.
Comment: Has not been previously published as pathogenic or benign to our knowledge; Not observed at significant frequency in large population cohorts (gnomAD); In silico analysis supports that this missense variant does not alter protein structure/function